The following is an entry in ClinVar:

ClinVar aggregate classification (germline): Uncertain significance (1 of 4 stars; one submission).

Conditions:
Joubert syndrome 15 (JBTS15). Identifiers: Orphanet 475, MedGen C3280897, MONDO:0013763, OMIM 614464.

Submission:

Labcorp Genetics (formerly Invitae), Labcorp
Classification: Uncertain significance for Joubert syndrome 15. Last evaluated: 2022-09-27. Review status: criteria provided, single submitter. Criteria: Invitae Variant Classification Sherloc (09022015). Collection method: clinical testing. Allele origin: germline.
Comment: In summary, the available evidence is currently insufficient to determine the role of this variant in disease. Therefore, it has been classified as a Variant of Uncertain Significance. Advanced modeling of protein sequence and biophysical properties (such as structural, functional, and spatial information, amino acid conservation, physicochemical variation, residue mobility, and thermodynamic stability) performed at Invitae indicates that this missense variant is expected to disrupt CEP41 protein function. This variant has not been reported in the literature in individuals affected with CEP41-related conditions. This sequence change replaces serine, which is neutral and polar, with glycine, which is neutral and non-polar, at codon 35 of the CEP41 protein (p.Ser35Gly). This variant is not present in population databases (gnomAD no frequency).

NM_018718.3(CEP41):c.103A>G (p.Ser35Gly)

Gene: CEP41 (centrosomal protein 41; minus strand). Cytogenetic location: 7q32.2.
Variant type: single nucleotide variant.
Coding change: c.103A>G on transcript NM_018718.3 (MANE Select); coding-DNA position 103, A replaced by G.
Protein change: p.Ser35Gly; replaces serine 35 with glycine.
Molecular consequence: missense variant. On other transcripts: non-coding transcript variant (1), intron variant (1).
Genome position (GRCh38, 1-based): chr7:130,416,961, T>C on the plus strand (A>G on the coding strand, the complement: CEP41 is on the minus strand). VCF-style: chr7-130416961-T-C. GRCh37 (hg19) VCF-style: chr7-130056802-T-C.
Other names: c.103A>G, p.Ser35Gly (NM_001257158.2); c.98-4721A>G (NM_001257159.2); short protein forms S35G.
Identifiers: ClinVar variation 2111766 (VCV002111766.4), dbSNP rs2536105348, ClinGen allele CA369284639.